The following is an entry in ClinVar:

NM_000166.6(GJB1):c.556G>T (p.Glu186Ter)

Gene: GJB1 (gap junction protein beta 1; plus strand). Cytogenetic location: Xq13.1.
Variant type: single nucleotide variant.
Coding change: c.556G>T on transcript NM_000166.6 (MANE Select); coding-DNA position 556, G replaced by T.
Protein change: p.Glu186Ter; replaces glutamic acid 186 with a stop codon.
Molecular consequence: nonsense.
Genome position (GRCh38, 1-based): chrX:71,224,263, G>T. VCF-style: chrX-71224263-G-T. GRCh37 (hg19) VCF-style: chrX-70444113-G-T.
Other names: c.556G>T, p.Glu186Ter (NM_001097642.3); short protein forms E186*.
Identifiers: ClinVar variation 234612 (VCV000234612.4), dbSNP rs116840821, ClinGen allele CA10577663.

ClinVar aggregate classification (germline): Pathogenic. Review status: criteria provided, single submitter (1 of 4 stars). 3 submissions from 3 submitters: Pathogenic (1). 2 of the submissions do not count toward it. Last evaluated 2016-02-19.

Conditions:
Charcot-Marie-Tooth disease. Also called: Charcot-Marie-Tooth Hereditary Neuropathy; Charcot-Marie-Tooth Neuropathy. Identifiers: Orphanet 166, MedGen C0007959, MONDO:0015626.
Charcot-Marie-Tooth disease X-linked dominant 1. Also called: CHARCOT-MARIE-TOOTH NEUROPATHY, X-LINKED, 1; CHARCOT-MARIE-TOOTH PERONEAL MUSCULAR ATROPHY, X-LINKED; HEREDITARY MOTOR AND SENSORY NEUROPATHY, X-LINKED; HMSN, X-LINKED; X-linked Charcot-Marie-Tooth disease type 1; GJB1 Disorders: Charcot-Marie-Tooth Neuropathy (CMT1X) and Central Nervous System Phenotypes. Identifiers: Orphanet 101075, MedGen C0393808, MONDO:0010549, OMIM 302800.

Submissions (3):

GeneDx
Classification: Pathogenic. Last evaluated: 2016-02-19. Review status: criteria provided, single submitter. Criteria: GeneDx Variant Classification (06012015). Collection method: clinical testing. Allele origin: germline. Affected: yes.
Comment: The E186X nonsense variant in the GJB1 gene has been reported previously in association with CMTX1 (Ionasescu et al., 1994; Basu et al., 2011). The E186X variant was not observed in approximately 6,500 individuals of European and African American ancestry in the NHLBI Exome Sequencing Project, indicating it is not a common benign variant in these populations. This pathogenic variant is predicted to cause loss of normal protein function through protein truncation as the last 98 amino acid residues are lost. Therefore, the presence of E186X is consistent with a diagnosis of CMTX1.

Inherited Neuropathy Consortium Ii, University Of Miami
Classification: Uncertain significance for Charcot-Marie-Tooth disease X-linked dominant 1. Last evaluated: 2016-01-06. Review status: no assertion criteria provided. Collection method: literature only. Allele origin: germline. Affected: yes. Not counted in ClinVar's aggregate classification.

Inherited Neuropathy Consortium
Classification: Uncertain significance for Charcot-Marie-Tooth disease. Review status: no assertion criteria provided. Collection method: literature only. Allele origin: germline. Affected: yes. Not counted in ClinVar's aggregate classification.

Literature cited by the submitters: PubMed 8004109 (cited by Inherited Neuropathy Consortium Ii, University Of Miami); PubMed 8737658 (cited by Inherited Neuropathy Consortium).